The following is an entry in ClinVar:

ClinVar aggregate classification (germline): Uncertain significance (1 of 4 stars; one submission).

Submission:

Labcorp Genetics (formerly Invitae), Labcorp
Classification: Uncertain significance. Last evaluated: 2025-03-11. Review status: criteria provided, single submitter. Criteria: Invitae Variant Classification Sherloc (09022015). Collection method: clinical testing. Allele origin: germline.
Comment: This sequence change replaces isoleucine, which is neutral and non-polar, with leucine, which is neutral and non-polar, at codon 201 of the RNF113A protein (p.Ile201Leu). This variant is not present in population databases (gnomAD no frequency). This variant has not been reported in the literature in individuals affected with RNF113A-related conditions. Invitae Evidence Modeling of protein sequence and biophysical properties (such as structural, functional, and spatial information, amino acid conservation, physicochemical variation, residue mobility, and thermodynamic stability) indicates that this missense variant is not expected to disrupt RNF113A protein function with a negative predictive value of 80%. In summary, the available evidence is currently insufficient to determine the role of this variant in disease. Therefore, it has been classified as a Variant of Uncertain Significance.

NM_006978.3(RNF113A):c.601A>C (p.Ile201Leu)

Gene: RNF113A (ring finger protein 113A; minus strand). Cytogenetic location: Xq24.
Variant type: single nucleotide variant.
Coding change: c.601A>C on transcript NM_006978.3 (MANE Select); coding-DNA position 601, A replaced by C.
Protein change: p.Ile201Leu; replaces isoleucine 201 with leucine.
Molecular consequence: missense variant.
Genome position (GRCh38, 1-based): chrX:119,871,013, T>G on the plus strand (A>C on the coding strand, the complement: RNF113A is on the minus strand). VCF-style: chrX-119871013-T-G. GRCh37 (hg19) VCF-style: chrX-119004976-T-G.
Other names: short protein forms I201L.
Identifiers: ClinVar variation 4744850 (VCV004744850.1).